The following is an entry in ClinVar:

ClinVar aggregate classification (germline): Uncertain significance. Review status: criteria provided, multiple submitters, no conflicts (2 of 4 stars). 2 submissions from 2 submitters: Uncertain significance (2). Last evaluated 2022-12-23.

Conditions:
Severe combined immunodeficiency due to DNA-PKcs deficiency. Also called: Immunodeficiency 26 with or without neurologic abnormalities; IMMUNODEFICIENCY 26 WITH NEUROLOGIC ABNORMALITIES. Identifiers: Orphanet 317425, MedGen C4014833, MONDO:0014423, OMIM 615966.

Allele frequency attached by ClinVar (database versions not stated): gnomAD exomes below 0.00001; gnomAD 0.00001.
gnomAD v4.1: 3 of 1,596,414 alleles (0.00019%); highest among the groups gnomAD compares: Admixed American, 0.0035%; no homozygotes.

Submissions (2):

Ambry Genetics
Classification: Uncertain significance. Last evaluated: 2022-12-23. Review status: criteria provided, single submitter. Criteria: Ambry Variant Classification Scheme 2023. Collection method: clinical testing. Allele origin: germline.
Comment: The p.L733F variant (also known as c.2197C>T), located in coding exon 20 of the PRKDC gene, results from a C to T substitution at nucleotide position 2197. The leucine at codon 733 is replaced by phenylalanine, an amino acid with highly similar properties. This amino acid position is conserved. In addition, this alteration is predicted to be tolerated by in silico analysis. Since supporting evidence is limited at this time, the clinical significance of this alteration remains unclear.

Labcorp Genetics (formerly Invitae), Labcorp
Classification: Uncertain significance for Severe combined immunodeficiency due to DNA-PKcs deficiency. Last evaluated: 2022-06-05. Review status: criteria provided, single submitter. Criteria: Invitae Variant Classification Sherloc (09022015). Collection method: clinical testing. Allele origin: germline.
Comment: In summary, the available evidence is currently insufficient to determine the role of this variant in disease. Therefore, it has been classified as a Variant of Uncertain Significance. ClinVar contains an entry for this variant (Variation ID: 939716). This variant has not been reported in the literature in individuals affected with PRKDC-related conditions. This variant is present in population databases (no rsID available, gnomAD no frequency). This sequence change replaces leucine, which is neutral and non-polar, with phenylalanine, which is neutral and non-polar, at codon 733 of the PRKDC protein (p.Leu733Phe).

NM_006904.7(PRKDC):c.2197C>T (p.Leu733Phe)

Gene: PRKDC (protein kinase, DNA-activated, catalytic subunit; minus strand). Cytogenetic location: 8q11.21.
Variant type: single nucleotide variant.
Coding change: c.2197C>T on transcript NM_006904.7 (MANE Select); coding-DNA position 2197, C replaced by T.
Protein change: p.Leu733Phe; replaces leucine 733 with phenylalanine.
Molecular consequence: missense variant.
Genome position (GRCh38, 1-based): chr8:47,927,833, G>A on the plus strand (C>T on the coding strand, the complement: PRKDC is on the minus strand). VCF-style: chr8-47927833-G-A. GRCh37 (hg19) VCF-style: chr8-48840393-G-A.
Other names: c.2197C>T, p.Leu733Phe (NM_001081640.2); short protein forms L733F.
Identifiers: ClinVar variation 939716 (VCV000939716.9), dbSNP rs1311346330, ClinGen allele CA371162701.